The following is an entry in ClinVar:

ClinVar aggregate classification (germline): Uncertain significance. Review status: criteria provided, multiple submitters, no conflicts (2 of 4 stars). 2 submissions from 2 submitters: Uncertain significance (2). Last evaluated 2025-01-22.

Allele frequency attached by ClinVar (database versions not stated): 1000 Genomes Project 0.00020; ExAC 0.00004; gnomAD exomes 0.00005; ESP Exome Variant Server 0.00008; 1000 Genomes Project 30x 0.00016; gnomAD 0.00005 and 0.00004; TOPMed 0.00004.
gnomAD v4.1: 82 of 1,613,984 alleles (0.0051%); highest among the groups gnomAD compares: East Asian, 0.12%; no homozygotes.

Submissions (2):

Mayo Clinic Laboratories, Mayo Clinic
Classification: Uncertain significance. Last evaluated: 2025-01-22. Review status: criteria provided, single submitter. Criteria: ACMG Guidelines, 2015. Collection method: clinical testing. Allele origin: germline. Observed: 1 variant allele.
Comment: BP4

Labcorp Genetics (formerly Invitae), Labcorp
Classification: Uncertain significance. Last evaluated: 2024-02-17. Review status: criteria provided, single submitter. Criteria: Invitae Variant Classification Sherloc (09022015). Collection method: clinical testing. Allele origin: germline.
Comment: This sequence change replaces threonine, which is neutral and polar, with methionine, which is neutral and non-polar, at codon 1845 of the SBF1 protein (p.Thr1845Met). This variant is present in population databases (rs374954381, gnomAD 0.04%). This variant has not been reported in the literature in individuals affected with SBF1-related conditions. ClinVar contains an entry for this variant (Variation ID: 1429047). Advanced modeling of protein sequence and biophysical properties (such as structural, functional, and spatial information, amino acid conservation, physicochemical variation, residue mobility, and thermodynamic stability) performed at Invitae indicates that this missense variant is not expected to disrupt SBF1 protein function with a negative predictive value of 80%. In summary, the available evidence is currently insufficient to determine the role of this variant in disease. Therefore, it has been classified as a Variant of Uncertain Significance.

NM_002972.4(SBF1):c.5534C>T (p.Thr1845Met)

Gene: SBF1 (SET binding factor 1; minus strand). Cytogenetic location: 22q13.33.
Variant type: single nucleotide variant.
Coding change: c.5534C>T on transcript NM_002972.4 (MANE Select); coding-DNA position 5534, C replaced by T.
Protein change: p.Thr1845Met; replaces threonine 1845 with methionine.
Molecular consequence: missense variant.
Genome position (GRCh38, 1-based): chr22:50,447,371, G>A on the plus strand (C>T on the coding strand, the complement: SBF1 is on the minus strand). VCF-style: chr22-50447371-G-A. GRCh37 (hg19) VCF-style: chr22-50885800-G-A.
Other names: p.Thr1845Met; c.5459C>T, p.Thr1820Met (NM_001365819.1); short protein forms T1845M, T1820M.
Identifiers: ClinVar variation 1429047 (VCV001429047.6), dbSNP rs374954381, ClinGen allele CA10315801.